The following is an entry in ClinVar:

ClinVar aggregate classification (germline): Uncertain significance (1 of 4 stars; one submission).

Allele frequency attached by ClinVar (database versions not stated): ExAC 0.00002.
gnomAD v4.1: 38 of 1,611,986 alleles (0.0024%); highest among the groups gnomAD compares: Admixed American, 0.005%; no homozygotes.

Submission:

Labcorp Genetics (formerly Invitae), Labcorp
Classification: Uncertain significance. Last evaluated: 2021-09-18. Review status: criteria provided, single submitter. Criteria: Invitae Variant Classification Sherloc (09022015). Collection method: clinical testing. Allele origin: germline.
Comment: In summary, the available evidence is currently insufficient to determine the role of this variant in disease. Therefore, it has been classified as a Variant of Uncertain Significance. This sequence change replaces arginine with tryptophan at codon 566 of the TMEM132E protein (p.Arg566Trp). The arginine residue is highly conserved and there is a moderate physicochemical difference between arginine and tryptophan. This variant is present in population databases (rs762912026, ExAC 0.02%). This variant has not been reported in the literature in individuals affected with TMEM132E-related conditions. Algorithms developed to predict the effect of missense changes on protein structure and function are either unavailable or do not agree on the potential impact of this missense change (SIFT: "Deleterious"; PolyPhen-2: "Not Available"; Align-GVGD: "Class C0").

NM_001304438.2(TMEM132E):c.1696C>T (p.Arg566Trp)

Gene: TMEM132E (transmembrane protein 132E; plus strand). Cytogenetic location: 17q12.
Variant type: single nucleotide variant.
Coding change: c.1696C>T on transcript NM_001304438.2 (MANE Select); coding-DNA position 1696, C replaced by T.
Protein change: p.Arg566Trp; replaces arginine 566 with tryptophan.
Molecular consequence: missense variant.
Genome position (GRCh38, 1-based): chr17:34,634,806, C>T. VCF-style: chr17-34634806-C-T. GRCh37 (hg19) VCF-style: chr17-32961825-C-T.
Other names: short protein forms R566W.
Identifiers: ClinVar variation 1440283 (VCV001440283.6), dbSNP rs762912026, ClinGen allele CA8496779.